The following is an entry in ClinVar:

NM_182931.3(KMT2E):c.5265T>A (p.His1755Gln)

Gene: KMT2E (lysine methyltransferase 2E (inactive); plus strand). Cytogenetic location: 7q22.3.
Variant type: single nucleotide variant.
Coding change: c.5265T>A on transcript NM_182931.3 (MANE Select); coding-DNA position 5265, T replaced by A.
Protein change: p.His1755Gln; replaces histidine 1755 with glutamine.
Molecular consequence: missense variant.
Genome position (GRCh38, 1-based): chr7:105,113,021, T>A. VCF-style: chr7-105113021-T-A. GRCh37 (hg19) VCF-style: chr7-104753468-T-A.
Other names: c.5139T>A, p.His1713Gln (NM_001410908.1); c.5265T>A, p.His1755Gln (NM_018682.4); short protein forms H1713Q, H1755Q.
Identifiers: ClinVar variation 3899017 (VCV003899017.1).
Genomic context (GRCh38, chr7:105,113,021, plus strand): 5'-AGCTCAAGCCTTACACCACCCACCTCATCAAGGACCTCCACTTTTTCCTTCGAGTGCTCA[T>A]CCAACTGTACCACCGTATCCCTCACAAGCTACACATCATACCACTTTGGGACCGGGACCC-3'
Protein context (NP_891847.1, residues 1745-1765): QGPPLFPSSA[His1755Gln]PTVPPYPSQA

ClinVar aggregate classification (germline): Uncertain significance (1 of 4 stars; one submission).

Submission:

GeneDx
Classification: Uncertain significance. Last evaluated: 2024-11-07. Review status: criteria provided, single submitter. Criteria: GeneDx Variant Classification Process June 2021. Collection method: clinical testing. Allele origin: germline. Affected: yes.
Comment: Not observed at significant frequency in large population cohorts (gnomAD); In silico analysis indicates that this missense variant does not alter protein structure/function; Has not been previously published as pathogenic or benign to our knowledge